The following is an entry in ClinVar:

ClinVar aggregate classification (germline): Uncertain significance. Review status: criteria provided, multiple submitters, no conflicts (2 of 4 stars). 2 submissions from 2 submitters: Uncertain significance (2). Last evaluated 2026-09-09.

Conditions:
Inborn genetic diseases. Identifiers: MedGen C0950123, MeSH D030342.
DPAGT1-congenital disorder of glycosylation. Also called: DPAGT1-CDG; CONGENITAL DISORDER OF GLYCOSYLATION, TYPE Ij; CDG Ij. Identifiers: Orphanet 86309, MedGen C2931004, MONDO:0011964, OMIM 608093.
Congenital myasthenic syndrome 13 (CMS13). Also called: Myasthenic syndrome, congenital, 13, with tubular aggregates; Myasthenic syndrome, congenital, with tubular aggregates 2. Identifiers: Orphanet 353327, Orphanet 590, MedGen C3553645, MONDO:0013883, OMIM 614750.

Allele frequency attached by ClinVar (database versions not stated): ExAC 0.00002; gnomAD 0.00002; gnomAD exomes 0.00003 and 0.00002; TOPMed 0.00002.

Submissions (2):

Ambry Genetics
Classification: Uncertain significance for Inborn genetic diseases. Last evaluated: 2026-09-09. Review status: criteria provided, single submitter. Criteria: Ambry Variant Classification Scheme 2023. Collection method: clinical testing. Allele origin: germline.
Comment: The c.989G>A (p.G330D) alteration is located in exon 7 (coding exon 7) of the DPAGT1 gene. This alteration results from a G to A substitution at nucleotide position 989, causing the glycine (G) at amino acid position 330 to be replaced by an aspartic acid (D). Based on data from gnomAD, the A allele has an overall frequency of 0.002% (5/251486) total alleles studied. The highest observed frequency was 0.016% (1/6140) of Other alleles. Based on insufficient or conflicting evidence, the clinical significance of this alteration remains unclear.

Labcorp Genetics (formerly Invitae), Labcorp
Classification: Uncertain significance for Congenital myasthenic syndrome 13; DPAGT1-congenital disorder of glycosylation. Last evaluated: 2022-06-20. Review status: criteria provided, single submitter. Criteria: Invitae Variant Classification Sherloc (09022015). Collection method: clinical testing. Allele origin: germline.
Comment: This sequence change replaces glycine, which is neutral and non-polar, with aspartic acid, which is acidic and polar, at codon 330 of the DPAGT1 protein (p.Gly330Asp). This variant is present in population databases (rs780497256, gnomAD 0.004%). This variant has not been reported in the literature in individuals affected with DPAGT1-related conditions. ClinVar contains an entry for this variant (Variation ID: 1021954). Algorithms developed to predict the effect of missense changes on protein structure and function are either unavailable or do not agree on the potential impact of this missense change (SIFT: "Tolerated"; PolyPhen-2: "Probably Damaging"; Align-GVGD: "Class C0"). Algorithms developed to predict the effect of sequence changes on RNA splicing suggest that this variant may create or strengthen a splice site. In summary, the available evidence is currently insufficient to determine the role of this variant in disease. Therefore, it has been classified as a Variant of Uncertain Significance.

NM_001382.4(DPAGT1):c.989G>A (p.Gly330Asp)

Gene: DPAGT1 (dolichyl-phosphate N-acetylglucosaminephosphotransferase 1; minus strand). Cytogenetic location: 11q23.3.
Variant type: single nucleotide variant.
Coding change: c.989G>A on transcript NM_001382.4 (MANE Select); coding-DNA position 989, G replaced by A.
Protein change: p.Gly330Asp; replaces glycine 330 with aspartic acid.
Molecular consequence: missense variant.
Genome position (GRCh38, 1-based): chr11:119,097,480, C>T on the plus strand (G>A on the coding strand, the complement: DPAGT1 is on the minus strand). VCF-style: chr11-119097480-C-T. GRCh37 (hg19) VCF-style: chr11-118968190-C-T.
Other names: c.989G>A (NM_001382.3); short protein forms G330D.
Identifiers: ClinVar variation 1021954 (VCV001021954.5), dbSNP rs780497256, ClinGen allele CA6314484.